The following is an entry in ClinVar:

NM_001365999.1(SZT2):c.2837G>T (p.Cys946Phe)

Gene: SZT2 (SZT2 subunit of KICSTOR complex; plus strand). Cytogenetic location: 1p34.2.
Variant type: single nucleotide variant.
Coding change: c.2837G>T on transcript NM_001365999.1 (MANE Select); coding-DNA position 2837, G replaced by T.
Protein change: p.Cys946Phe; replaces cysteine 946 with phenylalanine.
Molecular consequence: missense variant.
Genome position (GRCh38, 1-based): chr1:43,425,857, G>T. VCF-style: chr1-43425857-G-T. GRCh37 (hg19) VCF-style: chr1-43891528-G-T.
Other names: c.2837G>T, p.Cys946Phe (NM_015284.4); short protein forms C946F.
Identifiers: ClinVar variation 972302 (VCV000972302.10), dbSNP rs1653081027, ClinGen allele CA340015598.

ClinVar aggregate classification (germline): Uncertain significance (1 of 4 stars; one submission).

Submission:

Labcorp Genetics (formerly Invitae), Labcorp
Classification: Uncertain significance. Last evaluated: 2022-03-23. Review status: criteria provided, single submitter. Criteria: Invitae Variant Classification Sherloc (09022015). Collection method: clinical testing. Allele origin: germline.
Comment: In summary, the available evidence is currently insufficient to determine the role of this variant in disease. Therefore, it has been classified as a Variant of Uncertain Significance. Algorithms developed to predict the effect of missense changes on protein structure and function are either unavailable or do not agree on the potential impact of this missense change (SIFT: "Tolerated"; PolyPhen-2: "Probably Damaging"; Align-GVGD: "Class C0"). ClinVar contains an entry for this variant (Variation ID: 972302). This variant has not been reported in the literature in individuals affected with SZT2-related conditions. This variant is not present in population databases (gnomAD no frequency). This sequence change replaces cysteine, which is neutral and slightly polar, with phenylalanine, which is neutral and non-polar, at codon 946 of the SZT2 protein (p.Cys946Phe).